The following is an entry in ClinVar:

NM_201596.3(CACNB2):c.1302+3_1302+6dup

Gene: CACNB2 (calcium voltage-gated channel auxiliary subunit beta 2; plus strand). Cytogenetic location: 10p12.31.
Variant type: Duplication.
Coding change: c.1302+3_1302+6dup on transcript NM_201596.3 (MANE Select); bases 3 to 6 of the intron after coding-DNA position 1302, 4 bases duplicated (AAGT; older notation c.1302+3_1302+6dupAAGT).
Molecular consequence: splice donor variant.
Genome position (GRCh38, 1-based): chr10:18,536,199-18,536,202, AAGT duplicated; duplicating any 4 consecutive bases within chr10:18,536,196-18,536,202 gives the same sequence; the c. name uses the placement nearest the transcript's 3' end. VCF-style (leftmost placement, unchanged base first): chr10-18536195-C-CAGTA. GRCh37 (hg19) VCF-style: chr10-18825124-C-CAGTA.
Other names: c.1218+3_1218+6dup (NM_201571.4); c.1104+3_1104+6dup (NM_001167945.2); c.1146+3_1146+6dup (NM_201572.4); c.1188+3_1188+6dup (NM_201593.3); c.1230+3_1230+6dup (NM_201597.3); c.1137+3_1137+6dup (NM_000724.4); c.1023+3_1023+6dup (NM_001330060.2); c.1140+3_1140+6dup (NM_201590.3); and 2 more.
Identifiers: ClinVar variation 4721979 (VCV004721979.1).
Genomic context (GRCh38, chr10:18,536,195, plus strand): 5'-CTCAAGCTAAACACCTCAACGTCCAGATGGTAGCAGCTGATAAACTGGCTCAGTGTCCTC[C>CAGTA]AGTAAGTTATCTCTATATACAGCATAATCCAGTTACAGAGATCAGACCTTTTTTTTTTTT-3'

ClinVar aggregate classification (germline): Uncertain significance (1 of 4 stars; one submission).

Conditions:
Brugada syndrome 4 (BRGDA4). Identifiers: Orphanet 130, MedGen C2678477, MONDO:0012743, OMIM 611876.

Submission:

Labcorp Genetics (formerly Invitae), Labcorp
Classification: Uncertain significance for Brugada syndrome 4. Last evaluated: 2025-03-18. Review status: criteria provided, single submitter. Criteria: Invitae Variant Classification Sherloc (09022015). Collection method: clinical testing. Allele origin: germline.
Comment: This sequence change falls in intron 11 of the CACNB2 gene. It does not directly change the encoded amino acid sequence of the CACNB2 protein. This variant is present in population databases (no rsID available, gnomAD 0.0009%). This variant has not been reported in the literature in individuals affected with CACNB2-related conditions. Algorithms developed to predict the effect of sequence changes on RNA splicing suggest that this variant may disrupt the consensus splice site. In summary, the available evidence is currently insufficient to determine the role of this variant in disease. Therefore, it has been classified as a Variant of Uncertain Significance.